The following is an entry in ClinVar:

NM_001130969.3(NSMF):c.1086C>A (p.Pro362=)

Gene: NSMF (NMDA receptor synaptonuclear signaling and neuronal migration factor; minus strand). Cytogenetic location: 9q34.3.
Variant type: single nucleotide variant.
Coding change: c.1086C>A on transcript NM_001130969.3 (MANE Select); coding-DNA position 1086, C replaced by A.
Protein change: p.Pro362=; no amino-acid change (proline 362 retained).
Molecular consequence: synonymous variant.
Genome position (GRCh38, 1-based): chr9:137,452,781, G>T on the plus strand (C>A on the coding strand, the complement: NSMF is on the minus strand). VCF-style: chr9-137452781-G-T. GRCh37 (hg19) VCF-style: chr9-140347233-G-T.
Other names: c.1086C>A (NM_001130969.1); c.1017C>A, p.Pro339= (NM_001130970.2); c.1011C>A, p.Pro337= (NM_001130971.2); c.996C>A, p.Pro332= (NM_001178064.2); c.1080C>A, p.Pro360= (NM_015537.5).
Identifiers: ClinVar variation 713119 (VCV000713119.9), dbSNP rs149475082, ClinGen allele CA5370221.

ClinVar aggregate classification (germline): Benign. Review status: criteria provided, multiple submitters, no conflicts (2 of 4 stars). 3 submissions from 3 submitters: Benign (2). 1 of the submissions does not count toward it. Last evaluated 2025-06-23.

Conditions:
NSMF-related disorder. Also called: NSMF-related condition.

Allele frequency attached by ClinVar (database versions not stated): gnomAD exomes 0.00013 and 0.00025; ExAC 0.00042; 1000 Genomes Project 30x 0.00078; ESP Exome Variant Server 0.00085; 1000 Genomes Project 0.00100; gnomAD 0.00113 and 0.00123; TOPMed 0.00145.
gnomAD v4.1: 385 of 1,607,176 alleles (0.024%); highest among the groups gnomAD compares: African/African-American, 0.38%; 2 homozygotes.

Submissions (3):

Labcorp Genetics (formerly Invitae), Labcorp
Classification: Benign. Last evaluated: 2025-06-23. Review status: criteria provided, single submitter. Criteria: Invitae Variant Classification Sherloc (09022015). Collection method: clinical testing. Allele origin: germline.

Breakthrough Genomics
Classification: Benign. Review status: criteria provided, single submitter. Criteria: ACMG Guidelines, 2015. Collection method: not provided. Allele origin: germline. Inheritance: Autosomal dominant inheritance. Affected: yes.

PreventionGenetics, part of Exact Sciences
Classification: Likely benign for NSMF-related condition. Last evaluated: 2019-03-11. Review status: no assertion criteria provided. Collection method: clinical testing. Allele origin: germline. Not counted in ClinVar's aggregate classification.
Comment: This variant is classified as likely benign based on ACMG/AMP sequence variant interpretation guidelines (Richards et al. 2015 PMID: 25741868, with internal and published modifications).